The following is an entry in ClinVar:

ClinVar aggregate classification (germline): Uncertain significance. Review status: criteria provided, multiple submitters, no conflicts (2 of 4 stars). 3 submissions from 3 submitters: Uncertain significance (3). Last evaluated 2025-09-26.

Conditions:
Inborn genetic diseases. Identifiers: MedGen C0950123, MeSH D030342.
Seizure. Also called: Seizures. Identifiers: MedGen C0036572, HP:0001250.
Global developmental delay (DD). Also called: Cognitive delay. Identifiers: MedGen C0557874, HP:0001263. Disease mechanism: loss of function.
Intellectual developmental disorder, autosomal recessive 34, with variant lissencephaly. Also called: Intellectual disability, autosomal recessive 34. Identifiers: Orphanet 88616, MedGen C3281044, MONDO:0013785, OMIM 614499.

Allele frequency attached by ClinVar (database versions not stated): ExAC 0.00001; TOPMed 0.00002; gnomAD exomes 0.00001; gnomAD 0.00003.

Submissions (3):

Ambry Genetics
Classification: Uncertain significance for Inborn genetic diseases. Last evaluated: 2025-09-26. Review status: criteria provided, single submitter. Criteria: Ambry Variant Classification Scheme 2023. Collection method: clinical testing. Allele origin: germline.

GeneDx
Classification: Uncertain significance. Last evaluated: 2022-07-19. Review status: criteria provided, single submitter. Criteria: GeneDx Variant Classification Process June 2021. Collection method: clinical testing. Allele origin: germline. Affected: yes.
Comment: In silico analysis supports that this missense variant does not alter protein structure/function; Has not been previously published as pathogenic or benign to our knowledge

Centre of Medical Genetics, University Hospital Muenster
Classification: Uncertain significance for Global developmental delay; Seizure. Last evaluated: 2021-12-13. Review status: criteria provided, single submitter. Criteria: ACMG Guidelines, 2015. Collection method: clinical testing. Allele origin: germline. Affected: yes. Observed: 1 variant allele, 1 homozygote.
Comment: ACMG categories: PM2

NM_003805.5(CRADD):c.503G>A (p.Arg168Gln)

Gene: CRADD (CARD and death domain containing adaptor protein; plus strand). Cytogenetic location: 12q22.
Variant type: single nucleotide variant.
Coding change: c.503G>A on transcript NM_003805.5 (MANE Select); coding-DNA position 503, G replaced by A.
Protein change: p.Arg168Gln; replaces arginine 168 with glutamine.
Molecular consequence: missense variant. On other transcripts: intron variant (1).
Genome position (GRCh38, 1-based): chr12:93,850,174, G>A. VCF-style: chr12-93850174-G-A. GRCh37 (hg19) VCF-style: chr12-94243950-G-A.
Other names: c.503G>A, p.Arg168Gln (NM_001320099.2); c.299-43876G>A (NM_001320100.2); c.503G>A (NM_003805.4, NM_003805.3); short protein forms R168Q.
Identifiers: ClinVar variation 1330154 (VCV001330154.6), dbSNP rs563879626, ClinGen allele CA6720245.
Genomic context (GRCh38, chr12:93,850,174, plus strand): 5'-GTAAGGCCAACCACCCCCACAACGTGCAGTCGCAGGTGGTGGAGGCCTTCATCCGTTGGC[G>A]GCAGCGCTTCGGGAAGCAGGCCACCTTCCAGAGCCTGCACAACGGGCTGCGGGCTGTGGA-3'
Protein context (NP_003796.1, residues 158-178): SQVVEAFIRW[Arg168Gln]QRFGKQATFQ